The following is an entry in ClinVar:

NM_033225.6(CSMD1):c.9739T>C (p.Tyr3247His)

Genes: CSMD1 (CUB and Sushi multiple domains 1; minus strand), LOC105377785 (uncharacterized LOC105377785; plus strand). Cytogenetic location: 8p23.2.
Variant type: single nucleotide variant.
Coding change: c.9739T>C on transcript NM_033225.6 (MANE Select); coding-DNA position 9739, T replaced by C.
Protein change: p.Tyr3247His; replaces tyrosine 3247 with histidine.
Molecular consequence: missense variant.
Genome position (GRCh38, 1-based): chr8:2,957,771, A>G on the plus strand (T>C on the coding strand, the complement: CSMD1 is on the minus strand). VCF-style: chr8-2957771-A-G. GRCh37 (hg19) VCF-style: chr8-2815293-A-G.
Other names: short protein forms Y3247H.
Identifiers: ClinVar variation 3035186 (VCV003035186.2), dbSNP rs1803122719, ClinGen allele CA369967087.
Genomic context (GRCh38, chr8:2,957,771, plus strand): 5'-GTATCCCACTCCATGTTAAATTGGCAAGGCAGGTGCGAGTCGTGGAACCTTGAATATGGT[A>G]GCCTTTTCTGCACCTGAAAAAAACCGTGCTTCCAACCTAGAGAGGAAATCCAATACTAGC-3'
Protein context (NP_150094.5, residues 3237-3257): STVFFRCRKG[Tyr3247His]HIQGSTTRTC

ClinVar aggregate classification (germline): Uncertain significance (0 of 4 stars; one submission).

Conditions:
CSMD1-related disorder. Also called: CSMD1-related condition.

Allele frequency attached by ClinVar (database versions not stated): gnomAD exomes below 0.00001; gnomAD 0.00001.
gnomAD v4.1: 2 of 1,595,770 alleles (0.00013%); highest among the groups gnomAD compares: African/African-American, 0.0013%; no homozygotes.

Submission:

PreventionGenetics, part of Exact Sciences
Classification: Uncertain significance for CSMD1-related condition. Last evaluated: 2023-11-12. Review status: no assertion criteria provided. Collection method: clinical testing. Allele origin: germline.
Comment: The CSMD1 c.9739T>C variant is predicted to result in the amino acid substitution p.Tyr3247His. To our knowledge, this variant has not been reported in the literature or in a large population database, indicating this variant is rare. At this time, the clinical significance of this variant is uncertain due to the absence of conclusive functional and genetic evidence.